The following is an entry in ClinVar:

ClinVar aggregate classification (germline): Uncertain significance (1 of 4 stars; one submission).

Allele frequency attached by ClinVar (database versions not stated): gnomAD exomes below 0.00001; gnomAD 0.00003.

Submission:

Labcorp Genetics (formerly Invitae), Labcorp
Classification: Uncertain significance. Last evaluated: 2021-12-03. Review status: criteria provided, single submitter. Criteria: Invitae Variant Classification Sherloc (09022015). Collection method: clinical testing. Allele origin: germline.
Comment: This variant has not been reported in the literature in individuals affected with NAXE-related conditions. In summary, the available evidence is currently insufficient to determine the role of this variant in disease. Therefore, it has been classified as a Variant of Uncertain Significance. Algorithms developed to predict the effect of missense changes on protein structure and function output the following: SIFT: "Tolerated"; PolyPhen-2: "Benign"; Align-GVGD: "Class C0". The leucine amino acid residue is found in multiple mammalian species, which suggests that this missense change does not adversely affect protein function. This variant is not present in population databases (gnomAD no frequency). This sequence change replaces methionine, which is neutral and non-polar, with leucine, which is neutral and non-polar, at codon 104 of the NAXE protein (p.Met104Leu).

NM_144772.3(NAXE):c.310A>C (p.Met104Leu)

Gene: NAXE (NAD(P)HX epimerase; plus strand). Cytogenetic location: 1q22.
Variant type: single nucleotide variant.
Coding change: c.310A>C on transcript NM_144772.3 (MANE Select); coding-DNA position 310, A replaced by C.
Protein change: p.Met104Leu; replaces methionine 104 with leucine.
Molecular consequence: missense variant.
Genome position (GRCh38, 1-based): chr1:156,592,383, A>C. VCF-style: chr1-156592383-A-C. GRCh37 (hg19) VCF-style: chr1-156562175-A-C.
Other names: short protein forms M104L.
Identifiers: ClinVar variation 1364908 (VCV001364908.6), dbSNP rs1029042232, ClinGen allele CA31065604.